The following is an entry in ClinVar:

ClinVar aggregate classification (germline): Likely pathogenic (1 of 4 stars; one submission).

Conditions:
Hereditary cancer-predisposing syndrome. Also called: Hereditary Cancer Syndrome; Tumor predisposition; Hereditary neoplastic syndrome; Neoplastic Syndromes, Hereditary. Identifiers: Orphanet 140162, MedGen C0027672, MeSH D009386, MONDO:0015356.

Submission:

Ambry Genetics
Classification: Likely pathogenic for Hereditary cancer-predisposing syndrome. Last evaluated: 2024-10-14. Review status: criteria provided, single submitter. Criteria: Ambry Variant Classification Scheme 2023. Collection method: clinical testing. Allele origin: germline.
Comment: The c.788+1G>A intronic variant results from a G to A substitution one nucleotide after coding exon 9 of the MUTYH gene. This variant is considered to be rare based on population cohorts in the Genome Aggregation Database (gnomAD). This nucleotide position is highly conserved in available vertebrate species. In silico splice site analysis predicts that this alteration will weaken the native splice donor site; however, direct evidence is insufficient at this time (Ambry internal data). Alterations that disrupt the canonical splice site are expected to cause aberrant splicing, resulting in an abnormal protein or a transcript that is subject to nonsense-mediated mRNA decay. As such, this alteration is classified as likely pathogenic.

NM_001048174.2(MUTYH):c.704+1G>A

Gene: MUTYH (mutY DNA glycosylase; minus strand). Cytogenetic location: 1p34.1.
Variant type: single nucleotide variant.
Coding change: c.704+1G>A on transcript NM_001048174.2 (MANE Select); the canonical splice donor site of the intron after coding-DNA position 704, G replaced by A.
Molecular consequence: splice donor variant.
Genome position (GRCh38, 1-based): chr1:45,332,390, C>T on the plus strand (G>A on the coding strand, the complement: MUTYH is on the minus strand). VCF-style: chr1-45332390-C-T. GRCh37 (hg19) VCF-style: chr1-45798062-C-T.
Other names: c.704+1G>A (NM_001407072.1, NM_001407073.1, NM_001048171.2 and 6 more transcripts); c.359+1G>A (NM_001350651.2, NM_001350650.2, NM_001407082.1); c.428+1G>A (NM_001293192.2, NM_001293196.2, NM_001407091.1); c.749+1G>A (NM_001293190.2); c.737+1G>A (NM_001407069.1, NM_001407077.1, NM_001293191.2); c.779+1G>A (NM_012222.3); c.788+1G>A (NM_001128425.2); c.707+1G>A (NM_001407071.1, NM_001048172.2, NM_001407078.1 and 1 more transcripts); and 5 more.
Identifiers: ClinVar variation 3400151 (VCV003400151.1).